The following is an entry in ClinVar:

ClinVar aggregate classification (germline): Uncertain significance. Review status: criteria provided, multiple submitters, no conflicts (2 of 4 stars). 2 submissions from 2 submitters: Uncertain significance (2). Last evaluated 2024-01-28.

Conditions:
Inborn genetic diseases. Identifiers: MedGen C0950123, MeSH D030342.
Mosaic variegated aneuploidy syndrome 1 (MVA1). Also called: Warburton-Anyane-Yeboa syndrome. Identifiers: Orphanet 1052, MedGen C1850343, MONDO:0009759, OMIM 257300.

Allele frequency attached by ClinVar (database versions not stated): gnomAD exomes below 0.00001.

Submissions (2):

Ambry Genetics
Classification: Uncertain significance for Inborn genetic diseases. Last evaluated: 2024-01-28. Review status: criteria provided, single submitter. Criteria: Ambry Variant Classification Scheme 2023. Collection method: clinical testing. Allele origin: germline.
Comment: The p.M15I variant (also known as c.45G>C), located in coding exon 2 of the BUB1B gene, results from a G to C substitution at nucleotide position 45. The methionine at codon 15 is replaced by isoleucine, an amino acid with highly similar properties. This amino acid position is conserved. In addition, this alteration is predicted to be tolerated by in silico analysis. Since supporting evidence is limited at this time, the clinical significance of this alteration remains unclear.

Labcorp Genetics (formerly Invitae), Labcorp
Classification: Uncertain significance for Mosaic variegated aneuploidy syndrome 1. Last evaluated: 2022-05-08. Review status: criteria provided, single submitter. Criteria: Invitae Variant Classification Sherloc (09022015). Collection method: clinical testing. Allele origin: germline.
Comment: In summary, the available evidence is currently insufficient to determine the role of this variant in disease. Therefore, it has been classified as a Variant of Uncertain Significance. Algorithms developed to predict the effect of missense changes on protein structure and function (SIFT, PolyPhen-2, Align-GVGD) all suggest that this variant is likely to be tolerated. This variant has not been reported in the literature in individuals affected with BUB1B-related conditions. This variant is not present in population databases (gnomAD no frequency). This sequence change replaces methionine, which is neutral and non-polar, with isoleucine, which is neutral and non-polar, at codon 15 of the BUB1B protein (p.Met15Ile).

NM_001211.6(BUB1B):c.45G>C (p.Met15Ile)

Gene: BUB1B (BUB1 mitotic checkpoint serine/threonine kinase B; plus strand). Cytogenetic location: 15q15.1.
Variant type: single nucleotide variant.
Coding change: c.45G>C on transcript NM_001211.6 (MANE Select); coding-DNA position 45, G replaced by C.
Protein change: p.Met15Ile; replaces methionine 15 with isoleucine.
Molecular consequence: missense variant.
Genome position (GRCh38, 1-based): chr15:40,165,062, G>C. VCF-style: chr15-40165062-G-C. GRCh37 (hg19) VCF-style: chr15-40457263-G-C.
Other names: short protein forms M15I.
Identifiers: ClinVar variation 1741801 (VCV001741801.7), dbSNP rs1402555575, ClinGen allele CA391676886.